The following is an entry in ClinVar:

ClinVar aggregate classification (germline): Uncertain significance. Review status: criteria provided, multiple submitters, no conflicts (2 of 4 stars). 2 submissions from 2 submitters: Uncertain significance (2). Last evaluated 2025-01-02.

Conditions:
Hereditary cancer-predisposing syndrome. Also called: Hereditary neoplastic syndrome; Hereditary Cancer Syndrome; Neoplastic Syndromes, Hereditary; Tumor predisposition. Identifiers: Orphanet 140162, MedGen C0027672, MeSH D009386, MONDO:0015356.
Neuroblastoma, susceptibility to, 3. Also called: ALK-Related Neuroblastic Tumor Susceptibility. Identifiers: Orphanet 635, MedGen C2751681, MONDO:0013083, OMIM 613014.

Submissions (2):

Ambry Genetics
Classification: Uncertain significance for Hereditary cancer-predisposing syndrome. Last evaluated: 2025-01-02. Review status: criteria provided, single submitter. Criteria: Ambry Variant Classification Scheme 2023. Collection method: clinical testing. Allele origin: germline.
Comment: The p.M1302I variant (also known as c.3906G>A), located in coding exon 26 of the ALK gene, results from a G to A substitution at nucleotide position 3906. The methionine at codon 1302 is replaced by isoleucine, an amino acid with highly similar properties. This amino acid position is conserved. In addition, the in silico prediction for this alteration is inconclusive. Based on the available evidence, the clinical significance of this variant remains unclear.

Labcorp Genetics (formerly Invitae), Labcorp
Classification: Uncertain significance for Neuroblastoma, susceptibility to, 3. Last evaluated: 2024-03-07. Review status: criteria provided, single submitter. Criteria: Invitae Variant Classification Sherloc (09022015). Collection method: clinical testing. Allele origin: germline.
Comment: This sequence change replaces methionine, which is neutral and non-polar, with isoleucine, which is neutral and non-polar, at codon 1302 of the ALK protein (p.Met1302Ile). This variant is not present in population databases (gnomAD no frequency). This variant has not been reported in the literature in individuals affected with ALK-related conditions. An algorithm developed to predict the effect of missense changes on protein structure and function (PolyPhen-2) suggests that this variant is likely to be disruptive. In summary, the available evidence is currently insufficient to determine the role of this variant in disease. Therefore, it has been classified as a Variant of Uncertain Significance.

NM_004304.5(ALK):c.3906G>A (p.Met1302Ile)

Gene: ALK (ALK receptor tyrosine kinase; minus strand). Cytogenetic location: 2p23.2.
Variant type: single nucleotide variant.
Coding change: c.3906G>A on transcript NM_004304.5 (MANE Select); coding-DNA position 3906, G replaced by A.
Protein change: p.Met1302Ile; replaces methionine 1302 with isoleucine.
Molecular consequence: missense variant.
Genome position (GRCh38, 1-based): chr2:29,207,203, C>T on the plus strand (G>A on the coding strand, the complement: ALK is on the minus strand). VCF-style: chr2-29207203-C-T. GRCh37 (hg19) VCF-style: chr2-29430069-C-T.
Other names: c.3906G>A (NM_004304.4); c.702G>A, p.Met234Ile (NM_001353765.2); short protein forms M1302I, M234I.
Identifiers: ClinVar variation 3644847 (VCV003644847.3).